The following is an entry in ClinVar:

ClinVar aggregate classification (germline): Pathogenic (1 of 4 stars; one submission).

Conditions:
Bardet-Biedl syndrome (BBS). Identifiers: Orphanet 110, MedGen C0752166, MONDO:0015229.

Submission:

Labcorp Genetics (formerly Invitae), Labcorp
Classification: Pathogenic for Bardet-Biedl syndrome. Last evaluated: 2023-08-07. Review status: criteria provided, single submitter. Criteria: Invitae Variant Classification Sherloc (09022015). Collection method: clinical testing. Allele origin: germline.
Comment: This sequence change creates a premature translational stop signal (p.Gln485*) in the BBS7 gene. It is expected to result in an absent or disrupted protein product. Loss-of-function variants in BBS7 are known to be pathogenic (PMID: 12567324, 19402160, 21209035, 31196119). This variant is not present in population databases (gnomAD no frequency). This variant has not been reported in the literature in individuals affected with BBS7-related conditions. For these reasons, this variant has been classified as Pathogenic.

Literature cited by the submitters: PubMed 12567324; PubMed 19402160; PubMed 21209035; PubMed 31196119.

NM_176824.3(BBS7):c.1453C>T (p.Gln485Ter)

Gene: BBS7 (Bardet-Biedl syndrome 7; minus strand). Cytogenetic location: 4q27.
Variant type: single nucleotide variant.
Coding change: c.1453C>T on transcript NM_176824.3 (MANE Select); coding-DNA position 1453, C replaced by T.
Protein change: p.Gln485Ter; replaces glutamine 485 with a stop codon.
Molecular consequence: nonsense.
Genome position (GRCh38, 1-based): chr4:121,835,202, G>A on the plus strand (C>T on the coding strand, the complement: BBS7 is on the minus strand). VCF-style: chr4-121835202-G-A. GRCh37 (hg19) VCF-style: chr4-122756357-G-A.
Other names: c.1453C>T, p.Gln485Ter (NM_018190.4); short protein forms Q485*.
Identifiers: ClinVar variation 2809988 (VCV002809988.4), dbSNP rs2476456347, ClinGen allele CA358058646.